The following is an entry in ClinVar:

NM_000092.5:c.(4216+1_4217-1)_(c.*173_?)del

Gene: COL4A4 (collagen type IV alpha 4 chain; minus strand).
Variant type: Deletion.
Other names: c.(4216+1_4217-1)_(c.*173_?)del (NM_000092.5).
Identifiers: ClinVar variation 4884700 (VCV004884700.1).

ClinVar aggregate classification (germline): Pathogenic (1 of 4 stars; one submission).

Conditions:
Hematuria, benign familial, 1 (BFH1). Also called: THIN MEMBRANE NEPHROPATHY. Identifiers: MedGen CN376803, MONDO:0007709, OMIM 141200.

Submission:

Centre de Génétique Humaine, Institut de Pathologie Et de Génétique
Classification: Pathogenic for Hematuria, benign familial, 1. Last evaluated: 2026-04-10. Review status: criteria provided, single submitter. Criteria: ACMG Guidelines, 2015. Collection method: clinical testing. Allele origin: germline. Inheritance: Autosomal dominant inheritance. Affected: yes. Observed: 1 variant allele, 1 heterozygote. Segregation with disease not observed.